The following is an entry in ClinVar:

ClinVar aggregate classification (germline): Uncertain significance (1 of 4 stars; one submission).

Conditions:
CPE-related disorder. Also called: CPE-related condition.

Allele frequency attached by ClinVar (database versions not stated): TOPMed below 0.00001; gnomAD 0.00001; gnomAD exomes 0.00003; ExAC 0.00012.
gnomAD v4.1: 21 of 1,607,276 alleles (0.0013%); highest among the groups gnomAD compares: Admixed American, 0.035%; no homozygotes.

Submission:

PreventionGenetics, part of Exact Sciences
Classification: Uncertain significance for CPE-related condition. Last evaluated: 2025-07-15. Review status: criteria provided, single submitter. Criteria: ACMG Guidelines, 2015. Collection method: clinical testing. Allele origin: germline.
Comment: The CPE c.233C>A variant is predicted to result in the amino acid substitution p.Thr78Lys. This variant was reported in an individual with myelomeningocele (Table S5, Hebert et al 2020. PubMed ID: 32970752). This variant is reported in 0.054% of alleles in individuals of Latino descent in gnomAD. Although we suspect that this variant may be benign, at this time, the clinical significance of this variant is uncertain due to the absence of conclusive functional and genetic evidence.

NM_001873.4(CPE):c.233C>A (p.Thr78Lys)

Gene: CPE (carboxypeptidase E; plus strand). Cytogenetic location: 4q32.3.
Variant type: single nucleotide variant.
Coding change: c.233C>A on transcript NM_001873.4 (MANE Select); coding-DNA position 233, C replaced by A.
Protein change: p.Thr78Lys; replaces threonine 78 with lysine.
Molecular consequence: missense variant.
Genome position (GRCh38, 1-based): chr4:165,379,454, C>A. VCF-style: chr4-165379454-C-A. GRCh37 (hg19) VCF-style: chr4-166300606-C-A.
Other names: short protein forms T78K.
Identifiers: ClinVar variation 2634304 (VCV002634304.4), dbSNP rs756215788, ClinGen allele CA3130090.
Genomic context (GRCh38, chr4:165,379,454, plus strand): 5'-AGCTGCGCGAGGCGCTCGTGTCCGTGTGGCTGCAGTGCACCGCCATCAGCAGGATTTACA[C>A]GGTGGGGCGCAGCTTCGAGGGCCGGGAGCTCCTGGTCATCGAGCTGTCCGACAACCCTGG-3'
Protein context (NP_001864.1, residues 68-88): LQCTAISRIY[Thr78Lys]VGRSFEGREL